The following is an entry in ClinVar:

ClinVar aggregate classification (germline): Uncertain significance (1 of 4 stars; one submission).

Conditions:
IGSF1-related disorder. Also called: IGSF1-related condition.

Submission:

PreventionGenetics, part of Exact Sciences
Classification: Uncertain significance for IGSF1-related condition. Last evaluated: 2025-11-26. Review status: criteria provided, single submitter. Criteria: ACMG Guidelines, 2015. Collection method: clinical testing. Allele origin: germline.
Comment: The IGSF1 c.2569_2571delTAT variant is predicted to result in an in-frame deletion (p.Tyr857del). To our knowledge, this variant has not been reported in the literature or in a large population database (gnomAD), indicating this variant is rare. At this time, the clinical significance of this variant is uncertain due to the absence of conclusive functional and genetic evidence.

NM_001555.5(IGSF1):c.2551TAT[1] (p.Tyr852del)

Gene: IGSF1 (immunoglobulin superfamily member 1; minus strand). Cytogenetic location: Xq26.1.
Variant type: Microsatellite.
Coding change: c.2551TAT[1] on transcript NM_001555.5 (MANE Select); one copy of the 3-base unit TAT starting at c.2551; the reference has two copies in a row; one copy, 3 bases deleted.
Protein change: p.Tyr852del; deletes tyrosine 852.
Molecular consequence: inframe deletion.
Genome position (GRCh38, 1-based): chrX:131,276,991-131,276,993, ATA deleted on the plus strand (TAT on the coding strand, the reverse complement: IGSF1 is on the minus strand); deleting any 3 consecutive bases within chrX:131,276,991-131,276,996 gives the same sequence; the position shown is the placement nearest the transcript's 3' end. VCF-style (leftmost placement, unchanged base first): chrX-131276990-CATA-C. GRCh37 (hg19) VCF-style: chrX-130410964-CATA-C.
Other names: c.2566TAT[1], p.Tyr857del (NM_001170961.2, NM_001438811.1, NM_001438814.1); c.2524TAT[1], p.Tyr843del (NM_001170962.2); c.2551TAT[1], p.Tyr852del (NM_001438812.1, NM_001438813.1, NM_001438815.1); short protein forms Y843del, Y852del, Y857del.
Identifiers: ClinVar variation 4992846 (VCV004992846.1).